The following is an entry in ClinVar:

ClinVar aggregate classification (germline): Uncertain significance (1 of 4 stars; one submission).

Conditions:
Seckel syndrome 8 (SCKL8). Identifiers: Orphanet 808, MedGen C3891452, MONDO:0014350, OMIM 615807.
Mitochondrial DNA deletion syndrome with progressive myopathy. Also called: PROGRESSIVE EXTERNAL OPHTHALMOPLEGIA, AUTOSOMAL DOMINANT 6; Progressive external ophthalmoplegia with mitochondrial DNA deletions, autosomal dominant 6. Identifiers: Orphanet 352470, MedGen C3554599, MONDO:0014062, OMIM 615156.

Submission:

Baylor Genetics
Classification: Uncertain significance for Seckel syndrome 8. Last evaluated: 2018-11-09. Review status: criteria provided, single submitter. Criteria: ACMG Guidelines, 2015. Collection method: clinical testing. Allele origin: maternal. Affected: yes.
Comment: This variant was determined to be of uncertain significance according to ACMG Guidelines, 2015 [PMID:25741868].

NM_001080449.3(DNA2):c.707T>C (p.Met236Thr)

Gene: DNA2 (DNA replication helicase/nuclease 2; minus strand). Cytogenetic location: 10q21.3.
Variant type: single nucleotide variant.
Coding change: c.707T>C on transcript NM_001080449.3 (MANE Select); coding-DNA position 707, T replaced by C.
Protein change: p.Met236Thr; replaces methionine 236 with threonine.
Molecular consequence: missense variant. On other transcripts: non-coding transcript variant (1).
Genome position (GRCh38, 1-based): chr10:68,459,116, A>G on the plus strand (T>C on the coding strand, the complement: DNA2 is on the minus strand). VCF-style: chr10-68459116-A-G. GRCh37 (hg19) VCF-style: chr10-70218873-A-G.
Other names: short protein forms M236T.
Identifiers: ClinVar variation 1031788 (VCV001031788.3), dbSNP rs759464271, ClinGen allele CA376864697.
Genomic context (GRCh38, chr10:68,459,116, plus strand): 5'-GGTCTAAAAATATGAAGACTATATATATAAACAAAATGTGTTTCTTACAGAGAGAGCTGC[A>G]TCTGAGGGAAGTCAGTCGAAGTGTTTTTATGCATGAAATCTCCTGCCCATTTACAAAACG-3'
Protein context (NP_001073918.2, residues 226-246): HKNTSTDFPQ[Met236Thr]QLSLPSDNSK